The following is an entry in ClinVar:

NM_013339.4(ALG6):c.36A>C (p.Leu12Phe)

Gene: ALG6 (ALG6 alpha-1,3-glucosyltransferase; plus strand). Cytogenetic location: 1p31.3.
Variant type: single nucleotide variant.
Coding change: c.36A>C on transcript NM_013339.4 (MANE Select); coding-DNA position 36, A replaced by C.
Protein change: p.Leu12Phe; replaces leucine 12 with phenylalanine.
Molecular consequence: missense variant.
Genome position (GRCh38, 1-based): chr1:63,371,013, A>C. VCF-style: chr1-63371013-A-C. GRCh37 (hg19) VCF-style: chr1-63836684-A-C.
Other names: short protein forms L12F.
Identifiers: ClinVar variation 1030279 (VCV001030279.5), dbSNP rs151277583, ClinGen allele CA888018.

ClinVar aggregate classification (germline): Uncertain significance. Review status: criteria provided, multiple submitters, no conflicts (2 of 4 stars). 3 submissions from 3 submitters: Uncertain significance (3). Last evaluated 2025-01-28.

Conditions:
ALG6-congenital disorder of glycosylation 1C (CDG1C). Also called: CARBOHYDRATE-DEFICIENT GLYCOPROTEIN SYNDROME, TYPE I, WITH DEFICIENT GLYCOSYLATION OF DOLICHOL-LINKED OLIGOSACCHARIDE; CARBOHYDRATE-DEFICIENT GLYCOPROTEIN SYNDROME, TYPE V; Congenital disorder of glycosylation type 1C; CDG Ic; Congenital disorder of glycosylation, type Ic. Identifiers: Orphanet 79320, MedGen C2930997, MONDO:0011291, OMIM 603147.

Allele frequency attached by ClinVar (database versions not stated): ExAC 0.00002; gnomAD exomes 0.00002; gnomAD 0.00005 and 0.00006; TOPMed 0.00005; ESP Exome Variant Server 0.00023.
gnomAD v4.1: 43 of 1,610,684 alleles (0.0027%); highest among the groups gnomAD compares: Non-Finnish European, 0.0033%; no homozygotes.

Submissions (3):

Revvity Omics, Revvity
Classification: Uncertain significance for ALG6-congenital disorder of glycosylation 1C. Last evaluated: 2025-01-28. Review status: criteria provided, single submitter. Criteria: ACMG Guidelines, 2015. Collection method: clinical testing. Allele origin: germline.

Labcorp Genetics (formerly Invitae), Labcorp
Classification: Uncertain significance for ALG6-congenital disorder of glycosylation 1C. Last evaluated: 2022-03-28. Review status: criteria provided, single submitter. Criteria: Invitae Variant Classification Sherloc (09022015). Collection method: clinical testing. Allele origin: germline.
Comment: This sequence change replaces leucine, which is neutral and non-polar, with phenylalanine, which is neutral and non-polar, at codon 12 of the ALG6 protein (p.Leu12Phe). This variant is present in population databases (rs151277583, gnomAD 0.004%). This variant has not been reported in the literature in individuals affected with ALG6-related conditions. ClinVar contains an entry for this variant (Variation ID: 1030279). Algorithms developed to predict the effect of missense changes on protein structure and function are either unavailable or do not agree on the potential impact of this missense change (SIFT: "Tolerated"; PolyPhen-2: "Possibly Damaging"; Align-GVGD: "Class C0"). In summary, the available evidence is currently insufficient to determine the role of this variant in disease. Therefore, it has been classified as a Variant of Uncertain Significance.

Baylor Genetics
Classification: Uncertain significance for ALG6-congenital disorder of glycosylation 1C. Last evaluated: 2019-03-27. Review status: criteria provided, single submitter. Criteria: ACMG Guidelines, 2015. Collection method: clinical testing. Allele origin: unknown. Affected: yes.
Comment: This variant was determined to be of uncertain significance according to ACMG Guidelines, 2015 [PMID:25741868].